The following is an entry in ClinVar:

NM_014254.3(RXYLT1):c.863T>C (p.Ile288Thr)

Gene: RXYLT1 (ribitol xylosyltransferase 1; plus strand). Cytogenetic location: 12q14.2.
Variant type: single nucleotide variant.
Coding change: c.863T>C on transcript NM_014254.3 (MANE Select); coding-DNA position 863, T replaced by C.
Protein change: p.Ile288Thr; replaces isoleucine 288 with threonine.
Molecular consequence: missense variant.
Genome position (GRCh38, 1-based): chr12:63,805,353, T>C. VCF-style: chr12-63805353-T-C. GRCh37 (hg19) VCF-style: chr12-64199133-T-C.
Other names: c.83T>C, p.Ile28Thr (NM_001278237.2); c.863T>C (NM_014254.1); short protein forms I288T, I28T.
Identifiers: ClinVar variation 951870 (VCV000951870.8), dbSNP rs139838391, ClinGen allele CA6666195.
Genomic context (GRCh38, chr12:63,805,353, plus strand): 5'-ATTTATGTAATTTCTTAGGAACGATTTATGAAAATTCATCCAGACAGGCACTAATGAACA[T>C]TTTGAAAAAAGATGGGAACGATAAGCTTTGTTGGGTTTCAGCAAGAGAACAGTAAGTTCT-3'
Protein context (NP_055069.1, residues 278-298): ENSSRQALMN[Ile288Thr]LKKDGNDKLC

ClinVar aggregate classification (germline): Uncertain significance. Review status: criteria provided, multiple submitters, no conflicts (2 of 4 stars). 2 submissions from 2 submitters: Uncertain significance (2). Last evaluated 2025-05-06.

Conditions:
Inborn genetic diseases. Identifiers: MedGen C0950123, MeSH D030342.

Allele frequency attached by ClinVar (database versions not stated): ESP Exome Variant Server 0.00008; 1000 Genomes Project 0.00040; TOPMed 0.00005; gnomAD exomes 0.00001; ExAC 0.00004; 1000 Genomes Project 30x 0.00031.
gnomAD v4.1: 23 of 1,610,034 alleles (0.0014%); highest among the groups gnomAD compares: African/African-American, 0.023%; no homozygotes.

Submissions (2):

Ambry Genetics
Classification: Uncertain significance for Inborn genetic diseases. Last evaluated: 2025-05-06. Review status: criteria provided, single submitter. Criteria: Ambry Variant Classification Scheme 2023. Collection method: clinical testing. Allele origin: germline.

Labcorp Genetics (formerly Invitae), Labcorp
Classification: Uncertain significance. Last evaluated: 2022-06-13. Review status: criteria provided, single submitter. Criteria: Invitae Variant Classification Sherloc (09022015). Collection method: clinical testing. Allele origin: germline.
Comment: This sequence change replaces isoleucine, which is neutral and non-polar, with threonine, which is neutral and polar, at codon 288 of the RXYLT1 protein (p.Ile288Thr). This variant is present in population databases (rs139838391, gnomAD 0.03%). This variant has not been reported in the literature in individuals affected with RXYLT1-related conditions. ClinVar contains an entry for this variant (Variation ID: 951870). Algorithms developed to predict the effect of missense changes on protein structure and function (SIFT, PolyPhen-2, Align-GVGD) all suggest that this variant is likely to be disruptive. In summary, the available evidence is currently insufficient to determine the role of this variant in disease. Therefore, it has been classified as a Variant of Uncertain Significance.